The following is an entry in ClinVar:

NM_004415.4(DSP):c.7584T>A (p.Tyr2528Ter)

Gene: DSP (desmoplakin; plus strand). Cytogenetic location: 6p24.3.
Variant type: single nucleotide variant.
Coding change: c.7584T>A on transcript NM_004415.4 (MANE Select); coding-DNA position 7584, T replaced by A.
Protein change: p.Tyr2528Ter; replaces tyrosine 2528 with a stop codon.
Molecular consequence: nonsense.
Genome position (GRCh38, 1-based): chr6:7,584,846, T>A. VCF-style: chr6-7584846-T-A. GRCh37 (hg19) VCF-style: chr6-7585079-T-A.
Other names: c.5787T>A, p.Tyr1929Ter (NM_001008844.3); c.6255T>A, p.Tyr2085Ter (NM_001319034.2); short protein forms Y1929*, Y2085*, Y2528*.
Identifiers: ClinVar variation 1332590 (VCV001332590.4), dbSNP rs1759581554, ClinGen allele CA362693332.

ClinVar aggregate classification (germline): Likely pathogenic (1 of 4 stars; one submission).

Conditions:
Cardiomyopathy (CMYO). Also called: Cardiomyopathies. Identifiers: Orphanet 167848, MedGen C0878544, MONDO:0004994, HP:0001638. Inheritance: Various modes of inheritance.

Allele frequency attached by ClinVar (database versions not stated): gnomAD exomes below 0.00001.
gnomAD v4.1: 1 of 1,614,212 alleles (0.000062%); highest among the groups gnomAD compares: Non-Finnish European, 0.000085%; no homozygotes.

Submission:

Color Diagnostics, LLC DBA Color Health
Classification: Likely pathogenic for Cardiomyopathy. Last evaluated: 2025-08-25. Review status: criteria provided, single submitter. Criteria: ACMG Guidelines, 2015. Collection method: clinical testing. Allele origin: germline.
Comment: This variant changes 1 nucleotide in the last exon of the DSP gene, creating a premature translation stop signal. This variant alters C-terminal plakin repeat domain C and is expected to disrupt DSP protein function (PMID: 12101406, 12802069, 21756917). To our knowledge, this variant has not been reported in individuals affected with DSP-related disorders in the literature. This variant has not been identified in the general population by the Genome Aggregation Database (gnomAD). Multiple pathogenic truncation variants are reported downstream of this variant in the same impacted exon. Based on the available evidence, this variant is classified as Likely Pathogenic.

Literature cited by the submitters: PubMed 12101406; PubMed 12802069; PubMed 21756917.